The following is an entry in ClinVar:

NM_177965.4(CFAP418):c.149C>T (p.Thr50Met)

Genes: CFAP418 (cilia and flagella associated protein 418; minus strand), CFAP418-AS1 (CFAP418 antisense RNA 1; plus strand), LOC130000784 (ATAC-STARR-seq lymphoblastoid active region 27655; plus strand). Cytogenetic location: 8q22.1.
Variant type: single nucleotide variant.
Coding change: c.149C>T on transcript NM_177965.4 (MANE Select); coding-DNA position 149, C replaced by T.
Protein change: p.Thr50Met; replaces threonine 50 with methionine.
Molecular consequence: missense variant.
Genome position (GRCh38, 1-based): chr8:95,269,041, G>A on the plus strand (C>T on the coding strand, the complement: CFAP418 is on the minus strand). VCF-style: chr8-95269041-G-A. GRCh37 (hg19) VCF-style: chr8-96281269-G-A.
Other names: c.149C>T, p.Thr50Met (NM_001363260.1); c.149C>T (NM_177965.3); short protein forms T50M.
Identifiers: ClinVar variation 2050408 (VCV002050408.5), dbSNP rs1195047639, ClinGen allele CA371837742.

ClinVar aggregate classification (germline): Uncertain significance. Review status: criteria provided, single submitter (1 of 4 stars). 2 submissions from 2 submitters: Uncertain significance (1). 1 of the submissions does not count toward it. Last evaluated 2022-08-07.

Conditions:
CFAP418-related disorder. Also called: CFAP418-related condition.

Allele frequency attached by ClinVar (database versions not stated): TOPMed below 0.00001; gnomAD 0.00001.

Submissions (2):

Labcorp Genetics (formerly Invitae), Labcorp
Classification: Uncertain significance. Last evaluated: 2022-08-07. Review status: criteria provided, single submitter. Criteria: Invitae Variant Classification Sherloc (09022015). Collection method: clinical testing. Allele origin: germline.
Comment: This sequence change replaces threonine, which is neutral and polar, with methionine, which is neutral and non-polar, at codon 50 of the C8orf37 protein (p.Thr50Met). This variant is not present in population databases (gnomAD no frequency). This variant has not been reported in the literature in individuals affected with C8orf37-related conditions. Algorithms developed to predict the effect of missense changes on protein structure and function are either unavailable or do not agree on the potential impact of this missense change (SIFT: "Deleterious"; PolyPhen-2: "Benign"; Align-GVGD: "Class C0"). In summary, the available evidence is currently insufficient to determine the role of this variant in disease. Therefore, it has been classified as a Variant of Uncertain Significance.

PreventionGenetics, part of Exact Sciences
Classification: Uncertain significance for CFAP418-related condition. Last evaluated: 2024-02-29. Review status: no assertion criteria provided. Collection method: clinical testing. Allele origin: germline. Not counted in ClinVar's aggregate classification.
Comment: The CFAP418 c.149C>T variant is predicted to result in the amino acid substitution p.Thr50Met. To our knowledge, this variant has not been reported in the literature or in a large population database, indicating this variant is rare. At this time, the clinical significance of this variant is uncertain due to the absence of conclusive functional and genetic evidence.